The following is an entry in ClinVar:

NM_000455.5(STK11):c.157_158insT (p.Asp53fs)

Gene: STK11 (serine/threonine kinase 11; plus strand). Cytogenetic location: 19p13.3.
Variant type: Insertion.
Coding change: c.157_158insT on transcript NM_000455.5 (MANE Select); coding-DNA positions 157 to 158, T inserted.
Protein change: p.Asp53fs; shifts the reading frame from aspartic acid 53.
Molecular consequence: frameshift variant. On other transcripts: non-coding transcript variant (1).
Genome position: GRCh38 VCF-style: chr19-1207070-G-GT. GRCh37 (hg19) VCF-style: chr19-1207069-G-GT.
Other names: c.157_158insT, p.Asp53fs (NM_001407255.1); short protein forms D53fs.
Identifiers: ClinVar variation 4686584 (VCV004686584.1).
Genomic context (GRCh38, chr19:1,207,070, plus strand): 5'-GAGGTCATCTACCAGCCGCGCCGCAAGCGGGCCAAGCTCATCGGCAAGTACCTGATGGGG[G>GT]ACCTGCTGGGGGAAGGCTCTTACGGCAAGGTGAAGGAGGTGCTGGACTCGGAGACGCTGT-3'

ClinVar aggregate classification (germline): Likely pathogenic (1 of 4 stars; one submission).

Conditions:
Peutz-Jeghers syndrome (PJS). Also called: POLYPOSIS, HAMARTOMATOUS INTESTINAL; POLYPS-AND-SPOTS SYNDROME; Peutz-Jeghers polyposis; Periorificial lentiginosis syndrome. Identifiers: Orphanet 2869, MedGen C0031269, MeSH D010580, MONDO:0008280, OMIM 175200.

Submission:

Clinical Genetics Laboratory, Skane University Hospital Lund
Classification: Likely pathogenic for Peutz-Jeghers syndrome. Last evaluated: 2026-01-15. Review status: criteria provided, single submitter. Criteria: ACMG Guidelines, 2015. Collection method: clinical testing. Allele origin: germline. Affected: yes.
Comment: ACMG criteria PVS1 and PM2